The following is an entry in ClinVar:

NM_020207.7(ERCC6L2):c.1660C>G (p.Leu554Val)

Gene: ERCC6L2 (ERCC excision repair 6 like 2; plus strand). Cytogenetic location: 9q22.32.
Variant type: single nucleotide variant.
Coding change: c.1660C>G on transcript NM_020207.7 (MANE Select); coding-DNA position 1660, C replaced by G.
Protein change: p.Leu554Val; replaces leucine 554 with valine.
Molecular consequence: missense variant. On other transcripts: non-coding transcript variant (1).
Genome position (GRCh38, 1-based): chr9:95,928,773, C>G. VCF-style: chr9-95928773-C-G. GRCh37 (hg19) VCF-style: chr9-98691055-C-G.
Other names: c.1660C>G, p.Leu554Val (NM_001010895.4, NM_001375291.1, NM_001375292.1 and 2 more transcripts); short protein forms L554V.
Identifiers: ClinVar variation 1385942 (VCV001385942.7), dbSNP rs1830211526, ClinGen allele CA374125946.
Genomic context (GRCh38, chr9:95,928,773, plus strand): 5'-GTCTAGTTGCTTGACGTGCTACAGCAGTACTGTATGGCGTCTGGGCTTGATTACCGACGA[C>G]TTGATGGAAGTACAAAATCAGAGGAAAGACTCAAGATTGTAAAAGAGTTCAACAGTACAC-3'
Protein context (NP_064592.3, residues 544-564): CMASGLDYRR[Leu554Val]DGSTKSEERL

ClinVar aggregate classification (germline): Uncertain significance. Review status: criteria provided, multiple submitters, no conflicts (2 of 4 stars). 2 submissions from 2 submitters: Uncertain significance (2). Last evaluated 2026-07-19.

Conditions:
Inborn genetic diseases. Identifiers: MedGen C0950123, MeSH D030342.

Allele frequency attached by ClinVar (database versions not stated): gnomAD 0.00001.
gnomAD v4.1: 2 of 1,613,146 alleles (0.00012%); highest among the groups gnomAD compares: Non-Finnish European, 0.00017%; no homozygotes.

Submissions (2):

Ambry Genetics
Classification: Uncertain significance for Inborn genetic diseases. Last evaluated: 2026-07-19. Review status: criteria provided, single submitter. Criteria: Ambry Variant Classification Scheme 2023. Collection method: clinical testing. Allele origin: germline.
Comment: The p.L554V variant (also known as c.1660C>G), located in coding exon 11 of the ERCC6L2 gene, results from a C to G substitution at nucleotide position 1660. The leucine at codon 554 is replaced by valine, an amino acid with highly similar properties. This amino acid position is conserved. In addition, this alteration is predicted to be deleterious by in silico analysis. Based on the available evidence, the clinical significance of this variant remains unclear.

Labcorp Genetics (formerly Invitae), Labcorp
Classification: Uncertain significance. Last evaluated: 2022-07-19. Review status: criteria provided, single submitter. Criteria: Invitae Variant Classification Sherloc (09022015). Collection method: clinical testing. Allele origin: germline.
Comment: Algorithms developed to predict the effect of missense changes on protein structure and function are either unavailable or do not agree on the potential impact of this missense change (SIFT: "Deleterious"; PolyPhen-2: "Not Available"; Align-GVGD: "Class C0"). ClinVar contains an entry for this variant (Variation ID: 1385942). This variant has not been reported in the literature in individuals affected with ERCC6L2-related conditions. This variant is not present in population databases (gnomAD no frequency). This sequence change replaces leucine, which is neutral and non-polar, with valine, which is neutral and non-polar, at codon 565 of the ERCC6L2 protein (p.Leu565Val). In summary, the available evidence is currently insufficient to determine the role of this variant in disease. Therefore, it has been classified as a Variant of Uncertain Significance.